The following is an entry in ClinVar:

NM_001904.4(CTNNB1):c.566T>C (p.Met189Thr)

Genes: CTNNB1 (catenin beta 1; plus strand), LOC126806658 (BRD4-independent group 4 enhancer GRCh37_chr3:41265899-41267098; plus strand). Cytogenetic location: 3p22.1.
Variant type: single nucleotide variant.
Coding change: c.566T>C on transcript NM_001904.4 (MANE Select); coding-DNA position 566, T replaced by C.
Protein change: p.Met189Thr; replaces methionine 189 with threonine.
Molecular consequence: missense variant.
Genome position (GRCh38, 1-based): chr3:41,225,404, T>C. VCF-style: chr3-41225404-T-C. GRCh37 (hg19) VCF-style: chr3-41266895-T-C.
Other names: c.566T>C, p.Met189Thr (NM_001098209.2, NM_001098210.2, NM_001438871.1 and 4 more transcripts); c.545T>C, p.Met182Thr (NM_001330729.2); short protein forms M182T, M189T.
Identifiers: ClinVar variation 4885426 (VCV004885426.2).
Genomic context (GRCh38, chr3:41,225,404, plus strand): 5'-ATAAGGCTGCAGTTATGGTCCATCAGCTTTCTAAAAAGGAAGCTTCCAGACACGCTATCA[T>C]GCGTTCTCCTCAGATGGTGTCTGCTATTGTACGTACCATGCAGAATACAAATGATGTAGA-3'
Protein context (NP_001895.1, residues 179-199): SKKEASRHAI[Met189Thr]RSPQMVSAIV

ClinVar aggregate classification (germline): Uncertain significance (1 of 4 stars; one submission).

Submission:

Dasa
Classification: Uncertain significance. Last evaluated: 2026-03-16. Review status: criteria provided, single submitter. Criteria: DASA Assertion Criteria. Collection method: clinical testing. Allele origin: germline.
Comment: NM_001904.4(CTNNB1):c.566T>C (p.Met189Thr) is a missense variant that results in the substitution of methionine with threonine. This variant is rare in population databases. The currently available literature and clinical evidence are not sufficient to establish a definitive association between this variant and the reported condition. Therefore, this variant is classified as a variant of uncertain significance.